The following is an entry in ClinVar:

NM_000481.4(AMT):c.830T>C (p.Ile277Thr)

Gene: AMT (aminomethyltransferase; minus strand). Cytogenetic location: 3p21.31.
Variant type: single nucleotide variant.
Coding change: c.830T>C on transcript NM_000481.4 (MANE Select); coding-DNA position 830, T replaced by C.
Protein change: p.Ile277Thr; replaces isoleucine 277 with threonine.
Molecular consequence: missense variant. On other transcripts: non-coding transcript variant (1).
Genome position (GRCh38, 1-based): chr3:49,419,018, A>G on the plus strand (T>C on the coding strand, the complement: AMT is on the minus strand). VCF-style: chr3-49419018-A-G. GRCh37 (hg19) VCF-style: chr3-49456451-A-G.
Other names: c.698T>C, p.Ile233Thr (NM_001164710.2); c.662T>C, p.Ile221Thr (NM_001164711.2); c.830T>C, p.Ile277Thr (NM_001164712.2); short protein forms I277T, I233T, I221T.
Identifiers: ClinVar variation 585392 (VCV000585392.8), dbSNP rs1052014497, ClinGen allele CA74513452.
Genomic context (GRCh38, chr3:49,419,018, plus strand): 5'-TGGCCCAGCTCACCCAGTGTCCAACTGAGGCTGCCCTCCACAGGTGTAGTGTGTTCATCA[A>G]TGTCATTCCCATACAGGCAGAGGCCTGCCTCCAGGCGCAGGCTGTCCCTGGCTGCCAGCC-3'
Protein context (NP_000472.2, residues 267-287): EAGLCLYGND[Ile277Thr]DEHTTPVEGS

ClinVar aggregate classification (germline): Uncertain significance. Review status: criteria provided, multiple submitters, no conflicts (2 of 4 stars). 3 submissions from 3 submitters: Uncertain significance (2). 1 of the submissions does not count toward it. Last evaluated 2025-03-31.

Conditions:
Glycine encephalopathy. Also called: Non-ketotic hyperglycinemia; Nonketotic hyperglycinemia. Identifiers: Orphanet 407, MedGen C0751748, MONDO:0011612, HP:0008288.

Allele frequency attached by ClinVar (database versions not stated): TOPMed 0.00001; gnomAD 0.00002 and 0.00001; gnomAD exomes below 0.00001.
gnomAD v4.1: 10 of 1,613,744 alleles (0.00062%); highest among the groups gnomAD compares: Admixed American, 0.0033%; no homozygotes.

Submissions (3):

Labcorp Genetics (formerly Invitae), Labcorp
Classification: Uncertain significance for Glycine encephalopathy. Last evaluated: 2025-03-31. Review status: criteria provided, single submitter. Criteria: Invitae Variant Classification Sherloc (09022015). Collection method: clinical testing. Allele origin: germline.
Comment: This sequence change replaces isoleucine, which is neutral and non-polar, with threonine, which is neutral and polar, at codon 277 of the AMT protein (p.Ile277Thr). This variant is present in population databases (no rsID available, gnomAD no frequency). This variant has not been reported in the literature in individuals affected with AMT-related conditions. ClinVar contains an entry for this variant (Variation ID: 585392). Invitae Evidence Modeling of protein sequence and biophysical properties (such as structural, functional, and spatial information, amino acid conservation, physicochemical variation, residue mobility, and thermodynamic stability) indicates that this missense variant is expected to disrupt AMT protein function with a positive predictive value of 95%. In summary, the available evidence is currently insufficient to determine the role of this variant in disease. Therefore, it has been classified as a Variant of Uncertain Significance.

Athena Diagnostics
Classification: Uncertain significance. Last evaluated: 2018-03-06. Review status: criteria provided, single submitter. Criteria: Athena Diagnostics Criteria. Collection method: clinical testing. Allele origin: germline.

Natera, Inc.
Classification: Uncertain significance for Non-ketotic hyperglycinemia. Last evaluated: 2021-10-05. Review status: no assertion criteria provided. Collection method: clinical testing. Allele origin: germline. Not counted in ClinVar's aggregate classification.